The following is an entry in ClinVar:

ClinVar aggregate classification (germline): Likely benign. Review status: criteria provided, multiple submitters, no conflicts (2 of 4 stars). 2 submissions from 2 submitters: Likely benign (2). Last evaluated 2026-02-01.

gnomAD v4.1: 3 of 1,614,094 alleles (0.00019%); highest among the groups gnomAD compares: Non-Finnish European, 0.00025%; no homozygotes.

Submissions (2):

CeGaT Center for Human Genetics Tuebingen
Classification: Likely benign. Last evaluated: 2026-02-01. Review status: criteria provided, single submitter. Criteria: CeGaT Center For Human Genetics Tuebingen Variant Classification Criteria Version 2. Collection method: clinical testing. Allele origin: germline. Affected: yes. Observed: 1 variant allele.
Comment: LHX4: BP4, BP7

Women's Health and Genetics/Laboratory Corporation of America, LabCorp
Classification: Likely benign. Last evaluated: 2025-05-07. Review status: criteria provided, single submitter. Criteria: LabCorp Variant Classification Summary - May 2015. Collection method: clinical testing. Allele origin: germline.

NM_033343.4(LHX4):c.117C>T (p.Asp39=)

Gene: LHX4 (LIM homeobox 4; plus strand). Cytogenetic location: 1q25.2.
Variant type: single nucleotide variant.
Coding change: c.117C>T on transcript NM_033343.4 (MANE Select); coding-DNA position 117, C replaced by T.
Protein change: p.Asp39=; no amino-acid change (aspartic acid 39 retained).
Molecular consequence: synonymous variant.
Genome position (GRCh38, 1-based): chr1:180,248,325, C>T. VCF-style: chr1-180248325-C-T. GRCh37 (hg19) VCF-style: chr1-180217460-C-T.
Identifiers: ClinVar variation 3902441 (VCV003902441.5).